The following is an entry in ClinVar:

NM_000540.3(RYR1):c.6211C>T (p.Arg2071Trp)

Gene: RYR1 (ryanodine receptor 1; plus strand). Cytogenetic location: 19q13.2.
Variant type: single nucleotide variant.
Coding change: c.6211C>T on transcript NM_000540.3 (MANE Select); coding-DNA position 6211, C replaced by T.
Protein change: p.Arg2071Trp; replaces arginine 2071 with tryptophan.
Molecular consequence: missense variant.
Genome position (GRCh38, 1-based): chr19:38,492,573, C>T. VCF-style: chr19-38492573-C-T. GRCh37 (hg19) VCF-style: chr19-38983213-C-T.
Other names: c.6211C>T, p.Arg2071Trp (NM_001042723.2); short protein forms R2071W.
Identifiers: ClinVar variation 329046 (VCV000329046.10), dbSNP rs147441124, ClinGen allele CA067911.

ClinVar aggregate classification (germline): Conflicting classifications of pathogenicity. Review status: criteria provided, conflicting classifications (1 of 4 stars). 6 submissions from 5 submitters: Uncertain significance (5); Likely benign (1). Last evaluated 2025-06-24.

Conditions:
RYR1-related disorder. Also called: RYR1-related condition; RYR1-related disorders. Identifiers: MedGen CN239331.
Malignant hyperthermia, susceptibility to, 1 (MHS1). Also called: Anesthesia related hyperthermia; Malignant hyperpyrexia; Fulminating hyperpyrexia; Pharmacogenic myopathy; RYR1-Related Malignant Hyperthermia Susceptibility; Malignant hyperthermia suceptibility 1. Identifiers: Orphanet 423, MedGen C2930980, MONDO:0007783, OMIM 145600.
Congenital multicore myopathy with external ophthalmoplegia (CMYO1B). Also called: MULTICORE MYOPATHY; Minicore myopathy with external ophthalmoplegia; Congenital myopathy 1B, autosomal recessive; Minicore myopathy; MULTIMINICORE DISEASE WITH EXTERNAL OPHTHALMOPLEGIA. Identifiers: Orphanet 598, Orphanet 98905, MedGen C1850674, MONDO:0009712, OMIM 255320, HP:0003789.

Allele frequency attached by ClinVar (database versions not stated): gnomAD exomes 0.00001 and 0.00003; ExAC 0.00003; ESP Exome Variant Server 0.00008.
gnomAD v4.1: 17 of 1,604,654 alleles (0.0011%); highest among the groups gnomAD compares: East Asian, 0.011%; no homozygotes.

Submissions (6):

Color Diagnostics, LLC DBA Color Health
Classification: Likely benign for Malignant hyperthermia, susceptibility to, 1. Last evaluated: 2025-06-24. Review status: criteria provided, single submitter. Criteria: ACMG Guidelines, 2015. Collection method: clinical testing. Allele origin: germline.

Labcorp Genetics (formerly Invitae), Labcorp
Classification: Uncertain significance for RYR1-related disorder. Last evaluated: 2025-04-14. Review status: criteria provided, single submitter. Criteria: Invitae Variant Classification Sherloc (09022015). Collection method: clinical testing. Allele origin: germline.
Comment: This sequence change replaces arginine, which is basic and polar, with tryptophan, which is neutral and slightly polar, at codon 2071 of the RYR1 protein (p.Arg2071Trp). This variant is present in population databases (rs147441124, gnomAD 0.02%). This variant has not been reported in the literature in individuals affected with RYR1-related conditions. ClinVar contains an entry for this variant (Variation ID: 329046). Invitae Evidence Modeling of protein sequence and biophysical properties (such as structural, functional, and spatial information, amino acid conservation, physicochemical variation, residue mobility, and thermodynamic stability) indicates that this missense variant is not expected to disrupt RYR1 protein function with a negative predictive value of 80%. In summary, the available evidence is currently insufficient to determine the role of this variant in disease. Therefore, it has been classified as a Variant of Uncertain Significance.

All of Us Research Program, National Institutes of Health
Classification: Uncertain significance for Malignant hyperthermia, susceptibility to, 1. Last evaluated: 2023-08-28. Review status: criteria provided, single submitter. Criteria: ACMG Guidelines, 2015. Collection method: clinical testing. Allele origin: germline. Inheritance: Autosomal dominant inheritance. Observed: 2 variant alleles, 2 heterozygotes.
Comment: This missense variant replaces arginine with tryptophan at codon 2071 of the RYR1 protein. Computational prediction suggests that this variant may not impact protein structure and function (internally defined REVEL score threshold <= 0.5, PMID: 27666373). To our knowledge, functional studies have not been reported for this variant. This variant has not been reported in individuals affected with RYR1-related disorders in the literature. This variant has been identified in 8/251168 chromosomes in the general population by the Genome Aggregation Database (gnomAD). The available evidence is insufficient to determine the role of this variant in disease conclusively. Therefore, this variant is classified as a Variant of Uncertain Significance.

This study involves interpretation of variants in research participants for the purpose of population health screening. Participant phenotype was not available at the time of variant classification. Additional details can be found in publication PMID: 35346344, PMCID: PMC8962531

Revvity Omics, Revvity
Classification: Uncertain significance. Last evaluated: 2023-08-17. Review status: criteria provided, single submitter. Criteria: ACMG Guidelines, 2015. Collection method: clinical testing. Allele origin: germline.

Illumina Laboratory Services, Illumina
Classification: Uncertain significance for Congenital multicore myopathy with external ophthalmoplegia. Last evaluated: 2018-01-13. Review status: criteria provided, single submitter. Criteria: ICSL Variant Classification Criteria 13 December 2019. Collection method: clinical testing. Allele origin: germline.

Illumina Laboratory Services, Illumina
Classification: Uncertain significance for Malignant hyperthermia, susceptibility to, 1. Last evaluated: 2018-01-13. Review status: criteria provided, single submitter. Criteria: ICSL Variant Classification Criteria 13 December 2019. Collection method: clinical testing. Allele origin: germline.